The following is an entry in ClinVar:

NM_000543.5(SMPD1):c.1489T>C (p.Tyr497His)

Gene: SMPD1 (sphingomyelin phosphodiesterase 1; plus strand). Cytogenetic location: 11p15.4.
Variant type: single nucleotide variant.
Coding change: c.1489T>C on transcript NM_000543.5 (MANE Select); coding-DNA position 1489, T replaced by C.
Protein change: p.Tyr497His; replaces tyrosine 497 with histidine.
Molecular consequence: missense variant. On other transcripts: synonymous variant (1), non-coding transcript variant (2).
Genome position (GRCh38, 1-based): chr11:6,394,200, T>C. VCF-style: chr11-6394200-T-C. GRCh37 (hg19) VCF-style: chr11-6415430-T-C.
Other names: c.1486T>C, p.Tyr496His (NM_001007593.3); c.1509T>C, p.Val503= (NM_001318087.2); c.568T>C, p.Tyr190His (NM_001318088.2); c.1357T>C, p.Tyr453His (NM_001365135.2); short protein forms Y190H, Y453H, Y496H, Y497H.
Identifiers: ClinVar variation 992709 (VCV000992709.2), dbSNP rs1848079553, ClinGen allele CA379375732.
Genomic context (GRCh38, chr11:6,394,200, plus strand): 5'-CCCCTCCCTGGAGTTACCCTTGCTCCTTGCCCCTCCAGTCAGCCCCACATCCTTGCAGGT[T>C]ACCGTGTGTACCAAATAGATGGAAACTACTCCGGGAGCTCTCACGTGGTCCTGGACCATG-3'
Protein context (NP_000534.3, residues 487-507): ATTYIGLNPG[Tyr497His]RVYQIDGNYS

ClinVar aggregate classification (germline): Conflicting classifications of pathogenicity. Review status: criteria provided, conflicting classifications (1 of 4 stars). 2 submissions from 2 submitters: Likely pathogenic (1); Uncertain significance (1). Last evaluated 2024-11-04.

Conditions:
Niemann-Pick disease, type A. Also called: Infantile Neurovisceral ASMD (Niemann-Pick Disease Type A; NPD-A); SPHINGOMYELIN LIPIDOSIS; SPHINGOMYELINASE DEFICIENCY. Identifiers: Orphanet 77292, MedGen C0268242, MONDO:0009756, OMIM 257200. Disease mechanism: loss of function.
Niemann-Pick disease, type B. Also called: Chronic Visceral ASMD (Niemann-Pick Disease Type B; NPD-B). Identifiers: Orphanet 77293, MedGen C0268243, MONDO:0011871, OMIM 607616. Disease mechanism: loss of function.

Submissions (2):

Women's Health and Genetics/Laboratory Corporation of America, LabCorp
Classification: Uncertain significance. Last evaluated: 2024-11-04. Review status: criteria provided, single submitter. Criteria: LabCorp Variant Classification Summary - May 2015. Collection method: clinical testing. Allele origin: germline.
Comment: Variant summary: SMPD1 c.1489T>C (p.Tyr497His) results in a conservative amino acid change located in the acid sphingomyelinase and related proteins, metallophosphatase domain (IPR041805) of the encoded protein sequence. Three of four in-silico tools predict a damaging effect of the variant on protein function. Consensus agreement among computation tools predict no significant impact on normal splicing. However, these predictions have yet to be confirmed by functional studies. The variant was absent in 251044 control chromosomes. c.1489T>C has been reported in the literature in at-least two individuals affected with Niemann-Pick Disease (Wang_2022, Hu_2021). These data indicate that the variant may be associated with disease. To our knowledge, no experimental evidence demonstrating an impact on protein function has been reported. The following publications have been ascertained in the context of this evaluation (PMID: 33675270, 35534800). ClinVar contains an entry for this variant (Variation ID: 992709). Based on the evidence outlined above, the variant was classified as VUS-possibly pathogenic.

Huiwen Zhang's lab, Shanghai Jiao Tong University School of Medicine, Xinhua Hospital
Classification: Likely pathogenic for Niemann-Pick disease, type A; Niemann-Pick disease, type B. Last evaluated: 2020-12-30. Review status: criteria provided, single submitter. Criteria: ACMG Guidelines, 2015. Collection method: clinical testing. Allele origin: inherited. Affected: yes.

Literature cited by the submitters: PubMed 33675270 (cited by Women's Health and Genetics/Laboratory Corporation of America, LabCorp); PubMed 35534800 (cited by Women's Health and Genetics/Laboratory Corporation of America, LabCorp).